The following is an entry in ClinVar:

ClinVar aggregate classification (germline): Uncertain significance (1 of 4 stars; one submission).

gnomAD v4.1: 2 of 1,611,312 alleles (0.00012%); highest among the groups gnomAD compares: South Asian, 0.0011%; no homozygotes.

Submission:

Labcorp Genetics (formerly Invitae), Labcorp
Classification: Uncertain significance. Last evaluated: 2025-07-03. Review status: criteria provided, single submitter. Criteria: Invitae Variant Classification Sherloc (09022015). Collection method: clinical testing. Allele origin: germline.
Comment: This sequence change replaces tryptophan, which is neutral and slightly polar, with cysteine, which is neutral and slightly polar, at codon 1649 of the OTOGL protein (p.Trp1649Cys). This variant is not present in population databases (gnomAD no frequency). This missense change has been observed in individual(s) with deafness (internal data). In at least one individual the data is consistent with being in trans (on the opposite chromosome) from a pathogenic variant. An algorithm developed to predict the effect of missense changes on protein structure and function (PolyPhen-2) suggests that this variant is likely to be disruptive. Algorithms developed to predict the effect of sequence changes on RNA splicing suggest that this variant may create or strengthen a splice site. In summary, the available evidence is currently insufficient to determine the role of this variant in disease. Therefore, it has been classified as a Variant of Uncertain Significance.

NM_001378609.3(OTOGL):c.4974G>T (p.Trp1658Cys)

Gene: OTOGL (otogelin like; plus strand). Cytogenetic location: 12q21.31.
Variant type: single nucleotide variant.
Coding change: c.4974G>T on transcript NM_001378609.3 (MANE Select); coding-DNA position 4974, G replaced by T.
Protein change: p.Trp1658Cys; replaces tryptophan 1658 with cysteine.
Molecular consequence: missense variant.
Genome position (GRCh38, 1-based): chr12:80,339,188, G>T. VCF-style: chr12-80339188-G-T. GRCh37 (hg19) VCF-style: chr12-80732968-G-T.
Other names: c.4839G>T, p.Trp1613Cys (NM_001368062.3); c.4974G>T, p.Trp1658Cys (NM_001378610.3, NM_173591.7); short protein forms W1613C, W1658C.
Identifiers: ClinVar variation 4809684 (VCV004809684.1).